The following is an entry in ClinVar:

ClinVar aggregate classification (germline): Pathogenic. Review status: criteria provided, multiple submitters, no conflicts (2 of 4 stars). 4 submissions from 3 submitters: Pathogenic (2). 2 of the submissions do not count toward it. Last evaluated 2025-06-27.

Conditions:
High myopia. Also called: Severe Myopia. Identifiers: MedGen C0271183, HP:0011003.
Global developmental delay (DD). Also called: Cognitive delay. Identifiers: MedGen C0557874, HP:0001263. Disease mechanism: loss of function.
Retinal dystrophy. Also called: Inherited retinal dystrophy. Identifiers: Orphanet 71862, MedGen C0854723, MeSH D058499, MONDO:0019118, HP:0000556.
Myopia. Also called: Myopia (disease). Identifiers: MedGen C0027092, MONDO:0001384, HP:0000545.
Joint laxity. Identifiers: MedGen C0086437.
Optic disc pallor. Identifiers: MedGen C0554970, HP:0000543.
Intellectual disability. Also called: Intellectual functioning disability; Intellectual developmental disorder; intellectual disabilities. Identifiers: MedGen C3714756, MeSH D008607, MONDO:0001071, HP:0001249.
Mild hearing impairment. Identifiers: MedGen C4022758, HP:0012712.
Cohen syndrome (COH1). Also called: PEPPER SYNDROME; Cutis verticis gyrata, retinitis pigmentosa, and sensorineural deafness. Identifiers: Orphanet 193, MedGen C0265223, MONDO:0008999, OMIM 216550.

Allele frequency attached by ClinVar (database versions not stated): TOPMed below 0.00001; gnomAD 0.00001.
gnomAD v4.1: 14 of 1,612,448 alleles (0.00087%); highest among the groups gnomAD compares: Non-Finnish European, 0.0011%; no homozygotes.

Submissions (4):

Natera, Inc.
Classification: Pathogenic for Cohen syndrome. Last evaluated: 2025-06-27. Review status: criteria provided, single submitter. Criteria: Natera Variant Classification Schema (03/2026). Collection method: clinical testing. Allele origin: germline.
Comment: The c.4820+1G>A variant in VPS13B is a canonical splice donor site variant predicted to affect pre-mRNA splicing, which may result in an abnormal transcript and altered protein product. This variant is expected to result in nonsense mediated decay, truncation, or a dysfunctional protein product. This variant is rare in the general population with a frequency below the threshold expected for the associated phenotype(s). This variant has been observed in one or more individuals affected with the associated recessive disease, as either homozygous or compound heterozygous with a second variant (PMID: 37541188). Another variant at this same site results in an alteration predicted to cause a similar molecular effect has been observed in individual(s) with the associated phenotype. Given the available evidence, this variant is classified as Pathogenic.

Labcorp Genetics (formerly Invitae), Labcorp
Classification: Pathogenic for Cohen syndrome. Last evaluated: 2022-04-14. Review status: criteria provided, single submitter. Criteria: Invitae Variant Classification Sherloc (09022015). Collection method: clinical testing. Allele origin: germline.
Comment: Algorithms developed to predict the effect of sequence changes on RNA splicing suggest that this variant may disrupt the consensus splice site. For these reasons, this variant has been classified as Pathogenic. ClinVar contains an entry for this variant (Variation ID: 812992). Disruption of this splice site has been observed in individual(s) with VPS13B-related conditions (PMID: 24334764, 32581362). This variant is not present in population databases (gnomAD no frequency). This sequence change affects a donor splice site in intron 30 of the VPS13B gene. It is expected to disrupt RNA splicing. Variants that disrupt the donor or acceptor splice site typically lead to a loss of protein function (PMID: 16199547), and loss-of-function variants in VPS13B are known to be pathogenic (PMID: 15141358, 16648375, 20461111).

NIHR Bioresource Rare Diseases, University of Cambridge
Classification: Likely pathogenic for Intellectual disability; Joint hypermobility; Mild hearing impairment; Myopia; Optic disc pallor; Retinal dystrophy. Review status: no assertion criteria provided. Collection method: research. Allele origin: unknown. Affected: yes. Observed: 1 variant allele. Not counted in ClinVar's aggregate classification.

NIHR Bioresource Rare Diseases, University of Cambridge
Classification: Likely pathogenic for Global developmental delay; Retinal dystrophy; High myopia. Review status: no assertion criteria provided. Collection method: research. Allele origin: unknown. Affected: yes. Observed: 1 variant allele. Not counted in ClinVar's aggregate classification.

Literature cited by the submitters: PubMed 37541188 (cited by Natera, Inc.); PubMed 24334764 (cited by Labcorp Genetics (formerly Invitae), Labcorp); PubMed 32581362 (cited by Labcorp Genetics (formerly Invitae), Labcorp and NIHR Bioresource Rare Diseases, University of Cambridge); PubMed 16199547 (cited by Labcorp Genetics (formerly Invitae), Labcorp); PubMed 15141358 (cited by Labcorp Genetics (formerly Invitae), Labcorp); PubMed 16648375 (cited by Labcorp Genetics (formerly Invitae), Labcorp); PubMed 20461111 (cited by Labcorp Genetics (formerly Invitae), Labcorp).

NM_152564.5(VPS13B):c.4745+1G>A

Gene: VPS13B (vacuolar protein sorting 13 homolog B; plus strand). Cytogenetic location: 8q22.2.
Variant type: single nucleotide variant.
Coding change: c.4745+1G>A on transcript NM_152564.5 (MANE Select); the canonical splice donor site of the intron after coding-DNA position 4745, G replaced by A.
Molecular consequence: splice donor variant.
Genome position (GRCh38, 1-based): chr8:99,521,011, G>A. VCF-style: chr8-99521011-G-A. GRCh37 (hg19) VCF-style: chr8-100533239-G-A.
Other names: c.4820+1G>A (NM_017890.5, NM_017890.4).
Identifiers: ClinVar variation 812992 (VCV000812992.9), dbSNP rs1469729130, ClinGen allele CA371866621.